The following is an entry in ClinVar:

ClinVar aggregate classification (germline): Conflicting classifications of pathogenicity. Review status: criteria provided, conflicting classifications (1 of 4 stars). 4 submissions from 4 submitters: Uncertain significance (3); Likely benign (1). Last evaluated 2026-02-01.

Conditions:
Mosaic variegated aneuploidy syndrome 2 (MVA2). Identifiers: Orphanet 1052, MedGen C3279843, MONDO:0013582, OMIM 614114.
Inborn genetic diseases. Identifiers: MedGen C0950123, MeSH D030342.

Allele frequency attached by ClinVar (database versions not stated): ExAC 0.00016; gnomAD exomes 0.00018 and 0.00027; gnomAD 0.00019 and 0.00021; TOPMed 0.00025.
gnomAD v4.1: 321 of 1,613,972 alleles (0.02%); highest among the groups gnomAD compares: Middle Eastern, 0.099%; 1 homozygote.

Submissions (4):

Labcorp Genetics (formerly Invitae), Labcorp
Classification: Likely benign for Mosaic variegated aneuploidy syndrome 2. Last evaluated: 2026-02-01. Review status: criteria provided, single submitter. Criteria: Invitae Variant Classification Sherloc (09022015). Collection method: clinical testing. Allele origin: germline.

Ambry Genetics
Classification: Uncertain significance for Inborn genetic diseases. Last evaluated: 2022-02-17. Review status: criteria provided, single submitter. Criteria: Ambry Variant Classification Scheme 2023. Collection method: clinical testing. Allele origin: germline.

Department of Pathology and Laboratory Medicine, Sinai Health System
Classification: Uncertain significance for mosaic variegated aneuploidy syndrome 2. Last evaluated: 2021-07-30. Review status: criteria provided, single submitter. Criteria: ACMG Guidelines, 2015. Collection method: research. Allele origin: germline.

Baylor Genetics
Classification: Uncertain significance for Mosaic variegated aneuploidy syndrome 2. Last evaluated: 2021-02-09. Review status: criteria provided, single submitter. Criteria: ACMG Guidelines, 2015. Collection method: clinical testing. Allele origin: unknown. Affected: yes. Study: CSER-TexasKidsCanSeq.
Comment: This variant was determined to be of uncertain significance according to ACMG Guidelines, 2015 [PMID:25741868].

NM_014679.5(CEP57):c.95C>T (p.Ser32Phe)

Gene: CEP57 (centrosomal protein 57; plus strand). Cytogenetic location: 11q21.
Variant type: single nucleotide variant.
Coding change: c.95C>T on transcript NM_014679.5 (MANE Select); coding-DNA position 95, C replaced by T.
Protein change: p.Ser32Phe; replaces serine 32 with phenylalanine.
Molecular consequence: missense variant.
Genome position (GRCh38, 1-based): chr11:95,799,281, C>T. VCF-style: chr11-95799281-C-T. GRCh37 (hg19) VCF-style: chr11-95532445-C-T.
Other names: c.68C>T, p.Ser23Phe (NM_001243776.2); c.95C>T, p.Ser32Phe (NM_001243777.2); c.14C>T, p.Ser5Phe (NM_001363604.2); short protein forms S32F, S23F, S5F.
Identifiers: ClinVar variation 539588 (VCV000539588.16), dbSNP rs139110744, ClinGen allele CA6239364.
Genomic context (GRCh38, chr11:95,799,281, plus strand): 5'-TTATTTTTTAGAACAGCTTTGCTGAGCCATCAAGGTCTAATGGAAGCATGGTTCGGCATT[C>T]TTCATCTCCATATGTAGTATATCCTTCGGATAAGCCTTTCCTTAATAGTGATCTACGACG-3'
Protein context (NP_055494.2, residues 22-42): SRSNGSMVRH[Ser32Phe]SSPYVVYPSD